The following is an entry in ClinVar:

ClinVar aggregate classification (germline): Likely benign. Review status: criteria provided, single submitter (1 of 4 stars). 2 submissions from 2 submitters: Likely benign (1). 1 of the submissions does not count toward it. Last evaluated 2025-03-17.

Conditions:
NEK1-related disorder. Also called: NEK1-related condition.
Short-rib thoracic dysplasia 6 with or without polydactyly (SRTD6). Also called: Majewski Syndrome; SHORT-RIB THORACIC DYSPLASIA 6 WITH POLYDACTYLY; SHORT RIB-POLYDACTYLY SYNDROME, TYPE IIA; SHORT-RIB THORACIC DYSPLASIA 6 WITHOUT POLYDACTYLY; POLYDACTYLY WITH NEONATAL CHONDRODYSTROPHY, TYPE II. Identifiers: MedGen C0024507, MONDO:0009894, OMIM 263520.

Allele frequency attached by ClinVar (database versions not stated): gnomAD exomes 0.00001 and 0.00002; ExAC 0.00002; gnomAD 0.00003; TOPMed 0.00003.
gnomAD v4.1: 15 of 1,559,398 alleles (0.00096%); highest among the groups gnomAD compares: East Asian, 0.0023%; no homozygotes.

Submissions (2):

Labcorp Genetics (formerly Invitae), Labcorp
Classification: Likely benign for Short-rib thoracic dysplasia 6 with or without polydactyly. Last evaluated: 2025-03-17. Review status: criteria provided, single submitter. Criteria: Invitae Variant Classification Sherloc (09022015). Collection method: clinical testing. Allele origin: germline.

PreventionGenetics, part of Exact Sciences
Classification: Likely benign for NEK1-related condition. Last evaluated: 2024-07-21. Review status: no assertion criteria provided. Collection method: clinical testing. Allele origin: germline. Not counted in ClinVar's aggregate classification.
Comment: This variant is classified as likely benign based on ACMG/AMP sequence variant interpretation guidelines (Richards et al. 2015 PMID: 25741868, with internal and published modifications).

NM_001199397.3(NEK1):c.1081-8T>A

Gene: NEK1 (NIMA related kinase 1; minus strand). Cytogenetic location: 4q33.
Variant type: single nucleotide variant.
Coding change: c.1081-8T>A on transcript NM_001199397.3 (MANE Select); 8 bases into the intron before coding-DNA position 1081, T replaced by A.
Molecular consequence: intron variant.
Genome position (GRCh38, 1-based): chr4:169,561,899, A>T on the plus strand (T>A on the coding strand, the complement: NEK1 is on the minus strand). VCF-style: chr4-169561899-A-T. GRCh37 (hg19) VCF-style: chr4-170483050-A-T.
Other names: c.1081-8T>A (NM_001374421.1, NM_001374420.1, NM_001199399.3 and 8 more transcripts).
Identifiers: ClinVar variation 1580645 (VCV001580645.9), dbSNP rs747743441, ClinGen allele CA3137857.